The following is an entry in ClinVar:

NM_005918.4(MDH2):c.818T>C (p.Val273Ala)

Gene: MDH2 (malate dehydrogenase 2; plus strand). Cytogenetic location: 7q11.23.
Variant type: single nucleotide variant.
Coding change: c.818T>C on transcript NM_005918.4 (MANE Select); coding-DNA position 818, T replaced by C.
Protein change: p.Val273Ala; replaces valine 273 with alanine.
Molecular consequence: missense variant.
Genome position (GRCh38, 1-based): chr7:76,064,886, T>C. VCF-style: chr7-76064886-T-C. GRCh37 (hg19) VCF-style: chr7-75694204-T-C.
Other names: c.692T>C, p.Val231Ala (NM_001282403.2); c.497T>C, p.Val166Ala (NM_001282404.2); short protein forms V231A, V273A, V166A.
Identifiers: ClinVar variation 1762350 (VCV001762350.2), dbSNP rs2535873258, ClinGen allele CA367768481.
Genomic context (GRCh38, chr7:76,064,886, plus strand): 5'-ATGCCGGCGCCCGCTTTGTCTTCTCCCTTGTGGATGCAATGAATGGAAAGGAAGGTGTTG[T>C]GGAATGTTCCTTCGTTAAGTCACAGGAAACGGAATGTACCTACTTCTCCACACCGCTGCT-3'
Protein context (NP_005909.2, residues 263-283): VDAMNGKEGV[Val273Ala]ECSFVKSQET

ClinVar aggregate classification (germline): Uncertain significance (1 of 4 stars; one submission).

Conditions:
Inborn genetic diseases. Identifiers: MedGen C0950123, MeSH D030342.

Submission:

Ambry Genetics
Classification: Uncertain significance for Inborn genetic diseases. Last evaluated: 2022-04-21. Review status: criteria provided, single submitter. Criteria: Ambry Variant Classification Scheme 2023. Collection method: clinical testing. Allele origin: germline.
Comment: The p.V273A variant (also known as c.818T>C), located in coding exon 8 of the MDH2 gene, results from a T to C substitution at nucleotide position 818. The valine at codon 273 is replaced by alanine, an amino acid with similar properties. This amino acid position is conserved. In addition, the in silico prediction for this alteration is inconclusive. Since supporting evidence is limited at this time, the clinical significance of this alteration remains unclear.